The following is an entry in ClinVar:

NM_178000.3(PTPA):c.157C>T (p.Leu53Phe)

Gene: PTPA (protein phosphatase 2 phosphatase activator; plus strand). Cytogenetic location: 9q34.11.
Variant type: single nucleotide variant.
Coding change: c.157C>T on transcript NM_178000.3 (MANE Select); coding-DNA position 157, C replaced by T.
Protein change: p.Leu53Phe; replaces leucine 53 with phenylalanine.
Molecular consequence: missense variant. On other transcripts: intron variant (1).
Genome position (GRCh38, 1-based): chr9:129,123,079, C>T. VCF-style: chr9-129123079-C-T. GRCh37 (hg19) VCF-style: chr9-131885358-C-T.
Other names: c.52C>T, p.Leu18Phe (NM_001193397.2); c.157C>T, p.Leu53Phe (NM_021131.5, NM_178001.3, NM_178003.3); c.129+2469C>T (NM_001271832.2); short protein forms L53F, L18F.
Identifiers: ClinVar variation 5003158 (VCV005003158.1).

ClinVar aggregate classification (germline): Uncertain significance (1 of 4 stars; one submission).

Conditions:
Parkinson disease 25, autosomal recessive early-onset, with impaired intellectual development (PARK25). Identifiers: MedGen C5882680, MONDO:0957576, OMIM 620482.

gnomAD v4.1: 41 of 1,612,064 alleles (0.0025%); highest among the groups gnomAD compares: African/African-American, 0.048%; no homozygotes.

Submission:

OLLIN Analises Genomicas, OLLIN
Classification: Uncertain significance for Parkinson disease 25, autosomal recessive early-onset, with impaired intellectual development. Last evaluated: 2026-08-06. Review status: criteria provided, single submitter. Criteria: ACMG Guidelines 2015 PMID 25741868. Collection method: clinical testing. Allele origin: germline.
Comment: This missense variant, located in exon 3 (of 10), has been observed in gnomAD with an allele frequency of 0.0025%, but has not been reported in ClinVar or identified in the literature. In silico analysis predicts that this variant has a tolerated effect. According to the currently available evidence, this variant has been classified as uncertain significance (PM2_P, BP4_M).